The following is an entry in ClinVar:

NM_001366385.1(CARD14):c.2830A>G (p.Thr944Ala)

Genes: SGSH (N-sulfoglucosamine sulfohydrolase; minus strand), CARD14 (caspase recruitment domain family member 14; plus strand). Cytogenetic location: 17q25.3.
Variant type: single nucleotide variant.
Coding change: c.2830A>G on transcript NM_001366385.1 (MANE Select); coding-DNA position 2830, A replaced by G.
Protein change: p.Thr944Ala; replaces threonine 944 with alanine.
Molecular consequence: missense variant. On other transcripts: non-coding transcript variant (1).
Genome position (GRCh38, 1-based): chr17:80,208,160, A>G. VCF-style: chr17-80208160-A-G. GRCh37 (hg19) VCF-style: chr17-78181959-A-G.
Other names: c.2830A>G, p.Thr944Ala (NM_024110.4); short protein forms T944A.
Identifiers: ClinVar variation 1397500 (VCV001397500.8), dbSNP rs2144637132, ClinGen allele CA401357167.

ClinVar aggregate classification (germline): Uncertain significance (1 of 4 stars; one submission).

Conditions:
Pityriasis rubra pilaris (PRP). Also called: Pityriasis rubra pilaris--familial type. Identifiers: Orphanet 2897, MedGen C0032027, MONDO:0100017, OMIM 173200, MONDO:0008251.
Psoriasis 2. Identifiers: MedGen C1864497, MONDO:0011269, OMIM 602723.

Allele frequency attached by ClinVar (database versions not stated): gnomAD exomes 0.00001.

Submission:

Labcorp Genetics (formerly Invitae), Labcorp
Classification: Uncertain significance for Pityriasis rubra pilaris; Psoriasis 2. Last evaluated: 2021-05-26. Review status: criteria provided, single submitter. Criteria: Invitae Variant Classification Sherloc (09022015). Collection method: clinical testing. Allele origin: germline.
Comment: Algorithms developed to predict the effect of missense changes on protein structure and function output the following: SIFT: "Tolerated"; PolyPhen-2: "Benign"; Align-GVGD: "Class C0". The alanine amino acid residue is found in multiple mammalian species, suggesting that this missense change does not adversely affect protein function. These predictions have not been confirmed by published functional studies and their clinical significance is uncertain. In summary, the available evidence is currently insufficient to determine the role of this variant in disease. Therefore, it has been classified as a Variant of Uncertain Significance. This variant has not been reported in the literature in individuals with CARD14-related conditions. This variant is not present in population databases (ExAC no frequency). This sequence change replaces threonine with alanine at codon 944 of the CARD14 protein (p.Thr944Ala). The threonine residue is moderately conserved and there is a small physicochemical difference between threonine and alanine.